The following is an entry in ClinVar:

NM_000553.6(WRN):c.2732+1G>C

Gene: WRN (WRN RecQ like helicase; plus strand). Cytogenetic location: 8p12.
Variant type: single nucleotide variant.
Coding change: c.2732+1G>C on transcript NM_000553.6 (MANE Select); the canonical splice donor site of the intron after coding-DNA position 2732, G replaced by C.
Molecular consequence: splice donor variant.
Genome position (GRCh38, 1-based): chr8:31,124,624, G>C. VCF-style: chr8-31124624-G-C. GRCh37 (hg19) VCF-style: chr8-30982140-G-C.
Identifiers: ClinVar variation 864506 (VCV000864506.7), dbSNP rs1047229701, ClinGen allele CA370917181.

ClinVar aggregate classification (germline): Likely pathogenic (1 of 4 stars; one submission).

Conditions:
Werner syndrome (WRN). Identifiers: Orphanet 902, MedGen C0043119, MONDO:0010196, OMIM 277700.

Allele frequency attached by ClinVar (database versions not stated): gnomAD exomes below 0.00001.
gnomAD v4.1: 2 of 1,603,536 alleles (0.00012%); highest among the groups gnomAD compares: Non-Finnish European, 0.00017%; no homozygotes.

Submission:

Labcorp Genetics (formerly Invitae), Labcorp
Classification: Likely pathogenic for Werner syndrome. Last evaluated: 2019-12-05. Review status: criteria provided, single submitter. Criteria: Invitae Variant Classification Sherloc (09022015). Collection method: clinical testing. Allele origin: germline.
Comment: This sequence change affects a donor splice site in intron 22 of the WRN gene. It is expected to disrupt RNA splicing and likely results in an absent or disrupted protein product. This variant is not present in population databases (ExAC no frequency). This variant has not been reported in the literature in individuals with WRN-related conditions. Donor and acceptor splice site variants typically lead to a loss of protein function (PMID: 16199547), and loss-of-function variants in WRN are known to be pathogenic (PMID: 16673358). In summary, the currently available evidence indicates that the variant is pathogenic, but additional data are needed to prove that conclusively. Therefore, this variant has been classified as Likely Pathogenic.

Literature cited by the submitters: PubMed 16199547; PubMed 16673358.